The following is an entry in ClinVar:

ClinVar aggregate classification (germline): Likely benign (1 of 4 stars; one submission).

Allele frequency attached by ClinVar (database versions not stated): gnomAD exomes 0.00025; 1000 Genomes Project 30x 0.00031.

Submission:

CeGaT Center for Human Genetics Tuebingen
Classification: Likely benign. Last evaluated: 2025-07-01. Review status: criteria provided, single submitter. Criteria: CeGaT Center For Human Genetics Tuebingen Variant Classification Criteria Version 2. Collection method: clinical testing. Allele origin: germline. Affected: yes. Observed: 2 variant alleles.
Comment: STOX1: BP4, BP7

NM_152709.5(STOX1):c.310+204C>T

Gene: STOX1 (storkhead box 1; plus strand). Cytogenetic location: 10q22.1.
Variant type: single nucleotide variant.
Coding change: c.310+204C>T on transcript NM_152709.5 (MANE Select); 204 bases into the intron after coding-DNA position 310, C replaced by T.
Molecular consequence: intron variant.
Genome position (GRCh38, 1-based): chr10:68,828,137, C>T. VCF-style: chr10-68828137-C-T. GRCh37 (hg19) VCF-style: chr10-70587894-C-T.
Other names: c.310+204C>T (NM_001130161.4, NM_001130159.3, NM_001130160.3).
Identifiers: ClinVar variation 2640536 (VCV002640536.24), dbSNP rs1397699400, ClinGen allele CA593827841.